The following is an entry in ClinVar:

ClinVar aggregate classification (germline): Likely pathogenic (1 of 4 stars; one submission).

Conditions:
Tumor predisposition syndrome 3 (TPDS3). Also called: Melanoma, cutaneous malignant, susceptibility to, 10; Glioma susceptibility 9; LONG TELOMERE SYNDROME, POT1-RELATED; POT1 Tumor Predisposition. Identifiers: Orphanet 618, MedGen C4014476, MONDO:0014368, OMIM 615848.

Submission:

Labcorp Genetics (formerly Invitae), Labcorp
Classification: Likely pathogenic for Tumor predisposition syndrome 3. Last evaluated: 2022-10-31. Review status: criteria provided, single submitter. Criteria: Invitae Variant Classification Sherloc (09022015). Collection method: clinical testing. Allele origin: germline.
Comment: In summary, the currently available evidence indicates that the variant is pathogenic, but additional data are needed to prove that conclusively. Therefore, this variant has been classified as Likely Pathogenic. Algorithms developed to predict the effect of sequence changes on RNA splicing suggest that this variant may disrupt the consensus splice site. This variant has not been reported in the literature in individuals affected with POT1-related conditions. This variant is not present in population databases (gnomAD no frequency). This sequence change affects an acceptor splice site in intron 16 of the POT1 gene. It is expected to disrupt RNA splicing. Variants that disrupt the donor or acceptor splice site typically lead to a loss of protein function (PMID: 16199547), and loss-of-function variants in POT1 are known to be pathogenic (PMID: 32155570).

Literature cited by the submitters: PubMed 16199547; PubMed 32155570.

NM_015450.3(POT1):c.1595-1G>A

Gene: POT1 (protection of telomeres 1; minus strand). Cytogenetic location: 7q31.33.
Variant type: single nucleotide variant.
Coding change: c.1595-1G>A on transcript NM_015450.3 (MANE Select); the canonical splice acceptor site of the intron before coding-DNA position 1595, G replaced by A.
Molecular consequence: splice acceptor variant.
Genome position (GRCh38, 1-based): chr7:124,827,306, C>T on the plus strand (G>A on the coding strand, the complement: POT1 is on the minus strand). VCF-style: chr7-124827306-C-T. GRCh37 (hg19) VCF-style: chr7-124467360-C-T.
Other names: c.1202-1G>A (NM_001042594.2).
Identifiers: ClinVar variation 2116528 (VCV002116528.4), dbSNP rs2116415261, ClinGen allele CA369063292.